The following is an entry in ClinVar:

NM_000057.4(BLM):c.3239A>T (p.Asp1080Val)

Gene: BLM (BLM RecQ like helicase; plus strand). Cytogenetic location: 15q26.1.
Variant type: single nucleotide variant.
Coding change: c.3239A>T on transcript NM_000057.4 (MANE Select); coding-DNA position 3239, A replaced by T.
Protein change: p.Asp1080Val; replaces aspartic acid 1080 with valine.
Molecular consequence: missense variant.
Genome position (GRCh38, 1-based): chr15:90,798,218, A>T. VCF-style: chr15-90798218-A-T. GRCh37 (hg19) VCF-style: chr15-91341448-A-T.
Other names: c.3239A>T, p.Asp1080Val (NM_001287246.2, NM_001287247.2); c.2114A>T, p.Asp705Val (NM_001287248.2); c.3239A>T (NM_000057.2); short protein forms D1080V, D705V.
Identifiers: ClinVar variation 596136 (VCV000596136.14), dbSNP rs775383361, ClinGen allele CA7738973.
Genomic context (GRCh38, chr15:90,798,218, plus strand): 5'-TATAGCAGAAAGTATTCTCTTTTTATTCATAGGATTATAAAACAAGAGATGTGACTGACG[A>T]TGTGAAAAGTATTGTAAGATTTGTTCAAGAACATAGTTCATCACAAGGAATGAGAAATAT-3'
Protein context (NP_000048.1, residues 1070-1090): KDYKTRDVTD[Asp1080Val]VKSIVRFVQE

ClinVar aggregate classification (germline): Uncertain significance. Review status: criteria provided, multiple submitters, no conflicts (2 of 4 stars). 4 submissions from 4 submitters: Uncertain significance (3). 1 of the submissions does not count toward it. Last evaluated 2024-06-19.

Conditions:
Hereditary cancer-predisposing syndrome. Also called: Hereditary Cancer Syndrome; Hereditary neoplastic syndrome; Neoplastic Syndromes, Hereditary; Tumor predisposition. Identifiers: Orphanet 140162, MedGen C0027672, MeSH D009386, MONDO:0015356.
Bloom syndrome (BLM). Also called: Bloom-Torre-Machacek syndrome. Identifiers: Orphanet 125, MedGen C0005859, MONDO:0008876, OMIM 210900.

Allele frequency attached by ClinVar (database versions not stated): gnomAD exomes below 0.00001 and 0.00001; ExAC 0.00001.
gnomAD v4.1: 19 of 1,609,098 alleles (0.0012%); highest among the groups gnomAD compares: Non-Finnish European, 0.0015%; no homozygotes.

Submissions (4):

Labcorp Genetics (formerly Invitae), Labcorp
Classification: Uncertain significance for Bloom syndrome. Last evaluated: 2024-06-19. Review status: criteria provided, single submitter. Criteria: Invitae Variant Classification Sherloc (09022015). Collection method: clinical testing. Allele origin: germline.
Comment: This sequence change replaces aspartic acid, which is acidic and polar, with valine, which is neutral and non-polar, at codon 1080 of the BLM protein (p.Asp1080Val). This variant is present in population databases (rs775383361, gnomAD 0.0009%). This variant has not been reported in the literature in individuals affected with BLM-related conditions. ClinVar contains an entry for this variant (Variation ID: 596136). Advanced modeling of protein sequence and biophysical properties (such as structural, functional, and spatial information, amino acid conservation, physicochemical variation, residue mobility, and thermodynamic stability) performed at Invitae indicates that this missense variant is not expected to disrupt BLM protein function with a negative predictive value of 80%. In summary, the available evidence is currently insufficient to determine the role of this variant in disease. Therefore, it has been classified as a Variant of Uncertain Significance.

Ambry Genetics
Classification: Uncertain significance for Hereditary cancer-predisposing syndrome. Last evaluated: 2024-04-25. Review status: criteria provided, single submitter. Criteria: Ambry Variant Classification Scheme 2023. Collection method: clinical testing. Allele origin: germline.
Comment: The p.D1080V variant (also known as c.3239A>T), located in coding exon 16 of the BLM gene, results from an A to T substitution at nucleotide position 3239. The aspartic acid at codon 1080 is replaced by valine, an amino acid with highly dissimilar properties. This amino acid position is not well conserved in available vertebrate species. In addition, this alteration is predicted to be tolerated by in silico analysis. Based on the available evidence, the clinical significance of this variant remains unclear.

Eurofins Ntd Llc (ga)
Classification: Uncertain significance. Last evaluated: 2018-02-27. Review status: criteria provided, single submitter. Criteria: EGL ClinVar v180209 classification definitions. Collection method: clinical testing. Allele origin: germline. Observed: 1 variant allele, 1 heterozygote.

Natera, Inc.
Classification: Uncertain significance for Bloom syndrome. Last evaluated: 2020-09-16. Review status: no assertion criteria provided. Collection method: clinical testing. Allele origin: germline. Not counted in ClinVar's aggregate classification.